The following is an entry in ClinVar:

NM_006231.4(POLE):c.6005-3C>G

Gene: POLE (DNA polymerase epsilon, catalytic subunit; minus strand). Cytogenetic location: 12q24.33.
Variant type: single nucleotide variant.
Coding change: c.6005-3C>G on transcript NM_006231.4 (MANE Select); 3 bases into the intron before coding-DNA position 6005, C replaced by G.
Molecular consequence: intron variant.
Genome position (GRCh38, 1-based): chr12:132,632,798, G>C on the plus strand (C>G on the coding strand, the complement: POLE is on the minus strand). VCF-style: chr12-132632798-G-C. GRCh37 (hg19) VCF-style: chr12-133209384-G-C.
Identifiers: ClinVar variation 5027051 (VCV005027051.1).

ClinVar aggregate classification (germline): Uncertain significance (1 of 4 stars; one submission).

Conditions:
Hereditary cancer-predisposing syndrome. Also called: Neoplastic Syndromes, Hereditary; Tumor predisposition; Hereditary neoplastic syndrome; Hereditary Cancer Syndrome. Identifiers: Orphanet 140162, MedGen C0027672, MeSH D009386, MONDO:0015356.

Submission:

Ambry Genetics
Classification: Uncertain significance for Hereditary cancer-predisposing syndrome. Last evaluated: 2026-06-26. Review status: criteria provided, single submitter. Criteria: Ambry Variant Classification Scheme 2023. Collection method: clinical testing. Allele origin: germline.
Comment: The c.6005-3C>G intronic variant results from a C to G substitution 3 nucleotides upstream from coding exon 44 in the POLE gene. This nucleotide position is highly conserved in available vertebrate species. In silico splice site analysis predicts that this alteration will weaken the native splice acceptor site and will result in the creation or strengthening of a novel splice acceptor site. Based on the available evidence, the clinical significance of this variant remains unclear.